The following is an entry in ClinVar:

NM_002049.4(GATA1):c.871G>A (p.Val291Met)

Genes: GATA1 (GATA binding protein 1; plus strand), LOC119407405 (CRISPRi-FlowFISH-validated PLP2 regulatory element 6; plus strand). Cytogenetic location: Xp11.23.
Variant type: single nucleotide variant.
Coding change: c.871G>A on transcript NM_002049.4 (MANE Select); coding-DNA position 871, G replaced by A.
Protein change: p.Val291Met; replaces valine 291 with methionine.
Molecular consequence: missense variant.
Genome position (GRCh38, 1-based): chrX:48,793,793, G>A. VCF-style: chrX-48793793-G-A. GRCh37 (hg19) VCF-style: chrX-48652200-G-A.
Other names: short protein forms V291M.
Identifiers: ClinVar variation 3749695 (VCV003749695.3).

ClinVar aggregate classification (germline): Uncertain significance. Review status: criteria provided, multiple submitters, no conflicts (2 of 4 stars). 2 submissions from 2 submitters: Uncertain significance (2). Last evaluated 2025-05-26.

Conditions:
Hemolytic anemia due to erythrocyte adenosine deaminase overproduction (CNSHA9). Also called: Adenosine deaminase, elevated, hemolytic anemia due to; ERYTHROCYTE ADA, ELEVATED, HEMOLYTIC ANEMIA DUE TO; ANEMIA, CONGENITAL, NONSPHEROCYTIC HEMOLYTIC, 9. Identifiers: Orphanet 99138, MedGen C1863235, MONDO:0020458, OMIM 301083.
GATA binding protein 1 related thrombocytopenia with dyserythropoiesis. Also called: GATA1-Related X-Linked Cytopenia; GATA1-Related Cytopenia. Identifiers: MedGen C1845837, MONDO:0100089.
Diamond-Blackfan anemia. Also called: Blackfan Diamond syndrome; Aregenerative anemia chronic congenital; Red cell aplasia, pure hereditary; Congenital hypoplastic anemia; Aase syndrome. Identifiers: Orphanet 124, MedGen C1260899, MeSH D029503, MONDO:0015253, HP:0004810.

gnomAD v4.1: 2 of 1,210,647 alleles (0.00017%); highest among the groups gnomAD compares: South Asian, 0.0035%; no homozygotes.

Submissions (2):

3billion
Classification: Uncertain significance for Hemolytic anemia due to erythrocyte adenosine deaminase overproduction. Last evaluated: 2025-05-26. Review status: criteria provided, single submitter. Criteria: ACMG Guidelines, 2015. Collection method: clinical testing. Allele origin: germline. Affected: yes.
Comment: The variant is observed at an extremely low frequency in the gnomAD v4.1.0 dataset (total allele frequency: <0.001%). Predicted Consequence/Location: Missense variant In silico tool predictions suggest damaging effect of the variant on gene or gene product [REVEL: 0.84 (>=0.6, sensitivity 0.68 and specificity 0.92); 3Cnet: 0.72 (> 0.75, sensitivity 0.96 and precision 0.92)].In silico tools predict the variant to alter splicing and produce an abnormal transcript [SpliceAI: 0.11 (>=0.2)]. The variant has been reported as of uncertain significance (ClinVar ID: VCV003749695). Therefore, this variant is classified as VUS according to the recommendation of ACMG/AMP guideline.

Labcorp Genetics (formerly Invitae), Labcorp
Classification: Uncertain significance for GATA binding protein 1 related thrombocytopenia with dyserythropoiesis; Diamond-Blackfan anemia. Last evaluated: 2025-01-13. Review status: criteria provided, single submitter. Criteria: Invitae Variant Classification Sherloc (09022015). Collection method: clinical testing. Allele origin: germline.
Comment: This sequence change replaces valine, which is neutral and non-polar, with methionine, which is neutral and non-polar, at codon 291 of the GATA1 protein (p.Val291Met). This variant is not present in population databases (gnomAD no frequency). This variant has not been reported in the literature in individuals affected with GATA1-related conditions. Invitae Evidence Modeling of protein sequence and biophysical properties (such as structural, functional, and spatial information, amino acid conservation, physicochemical variation, residue mobility, and thermodynamic stability) has been performed for this missense variant. However, the output from this modeling did not meet the statistical confidence thresholds required to predict the impact of this variant on GATA1 protein function. Algorithms developed to predict the effect of sequence changes on RNA splicing suggest that this variant may disrupt the consensus splice site. In summary, the available evidence is currently insufficient to determine the role of this variant in disease. Therefore, it has been classified as a Variant of Uncertain Significance.